The following is an entry in ClinVar:

ClinVar aggregate classification (germline): Uncertain significance (1 of 4 stars; one submission).

Submission:

Labcorp Genetics (formerly Invitae), Labcorp
Classification: Uncertain significance. Last evaluated: 2025-08-29. Review status: criteria provided, single submitter. Criteria: Invitae Variant Classification Sherloc (09022015). Collection method: clinical testing. Allele origin: germline.
Comment: This sequence change replaces leucine, which is neutral and non-polar, with valine, which is neutral and non-polar, at codon 278 of the VAV1 protein (p.Leu278Val). This variant is not present in population databases (gnomAD no frequency). This variant has not been reported in the literature in individuals affected with VAV1-related conditions. An algorithm developed to predict the effect of missense changes on protein structure and function (PolyPhen-2) suggests that this variant is likely to be tolerated. In summary, the available evidence is currently insufficient to determine the role of this variant in disease. Therefore, it has been classified as a Variant of Uncertain Significance.

NM_005428.4(VAV1):c.832C>G (p.Leu278Val)

Gene: VAV1 (vav guanine nucleotide exchange factor 1; plus strand). Cytogenetic location: 19p13.3.
Variant type: single nucleotide variant.
Coding change: c.832C>G on transcript NM_005428.4 (MANE Select); coding-DNA position 832, C replaced by G.
Protein change: p.Leu278Val; replaces leucine 278 with valine.
Molecular consequence: missense variant.
Genome position (GRCh38, 1-based): chr19:6,826,616, C>G. VCF-style: chr19-6826616-C-G. GRCh37 (hg19) VCF-style: chr19-6826627-C-G.
Other names: c.832C>G, p.Leu278Val (NM_001258206.2); c.736C>G, p.Leu246Val (NM_001258207.2); short protein forms L246V, L278V.
Identifiers: ClinVar variation 4726222 (VCV004726222.1).
Genomic context (GRCh38, chr19:6,826,616, plus strand): 5'-TCTGCCCGACCTTGATGCCAGTCACCTTTACCTGGTGGCCTGTCTTCTCCCTGTAGGTTC[C>G]TCGTCTATGGCCGCTACTGCAGCCAGGTGGAGTCAGCCAGCAAACACCTGGACCGTGTGG-3'
Protein context (NP_005419.2, residues 268-288): QVFIKYKERF[Leu278Val]VYGRYCSQVE